The following is an entry in ClinVar:

ClinVar aggregate classification (germline): Conflicting classifications of pathogenicity. Review status: criteria provided, conflicting classifications (1 of 4 stars). 8 submissions from 8 submitters: Uncertain significance (6); Likely benign (1). 1 of the submissions does not count toward it. Last evaluated 2026-01-05.

Conditions:
Hereditary spastic paraplegia. Also called: Familial spastic paraparesis. Identifiers: Orphanet 685, MedGen C0037773, MONDO:0019064. Disease mechanism: loss of function.
Spastic paraplegia. Identifiers: MedGen C0037772, HP:0001258.
Charlevoix-Saguenay spastic ataxia (SACS). Also called: SPASTIC ATAXIA 6, AUTOSOMAL RECESSIVE; AUTOSOMAL RECESSIVE SPASTIC ATAXIA OF CHARLEVOIX-SAGUENAY; Spastic ataxia of Charlevoix-Saguenay. Identifiers: Orphanet 98, MedGen C1849140, MONDO:0010041, OMIM 270550.

Allele frequency attached by ClinVar (database versions not stated): ESP Exome Variant Server 0.00015; ExAC 0.00016; gnomAD exomes 0.00016 and 0.00018; gnomAD 0.00017 and 0.00019; TOPMed 0.00017.
gnomAD v4.1: 277 of 1,610,990 alleles (0.017%); highest among the groups gnomAD compares: Non-Finnish European, 0.022%; no homozygotes.

Submissions (8):

Labcorp Genetics (formerly Invitae), Labcorp
Classification: Likely benign for Spastic paraplegia. Last evaluated: 2026-01-05. Review status: criteria provided, single submitter. Criteria: Invitae Variant Classification Sherloc (09022015). Collection method: clinical testing. Allele origin: germline.

Women's Health and Genetics/Laboratory Corporation of America, LabCorp
Classification: Uncertain significance. Last evaluated: 2024-12-24. Review status: criteria provided, single submitter. Criteria: LabCorp Variant Classification Summary - May 2015. Collection method: clinical testing. Allele origin: germline.
Comment: Variant summary: SACS c.4757A>G (p.Asn1586Ser) results in a conservative amino acid change in the encoded protein sequence. Three of four in-silico tools predict a benign effect of the variant on protein function. The variant allele was found at a frequency of 0.00016 in 248938 control chromosomes. This frequency is not significantly higher than estimated for a pathogenic variant in SACS causing Charlevoix-Saguenay spastic ataxia, allowing no conclusion about variant significance. To our knowledge, no occurrence of c.4757A>G in individuals affected with Charlevoix-Saguenay spastic ataxia and no experimental evidence demonstrating its impact on protein function have been reported. ClinVar contains an entry for this variant (Variation ID: 527996). Based on the evidence outlined above, the variant was classified as uncertain significance.

Genome-Nilou Lab
Classification: Uncertain significance for Charlevoix-Saguenay spastic ataxia. Last evaluated: 2021-09-05. Review status: criteria provided, single submitter. Criteria: ACMG Guidelines, 2015. Collection method: clinical testing. Allele origin: germline. Affected: no.

Mayo Clinic Laboratories, Mayo Clinic
Classification: Uncertain significance. Last evaluated: 2020-06-17. Review status: criteria provided, single submitter. Criteria: ACMG Guidelines, 2015. Collection method: clinical testing. Allele origin: germline. Observed: 1 variant allele.

GeneDx
Classification: Uncertain significance. Last evaluated: 2019-08-15. Review status: criteria provided, single submitter. Criteria: GeneDx Variant Classification Process June 2021. Collection method: clinical testing. Allele origin: germline. Affected: yes.
Comment: In silico analysis, which includes protein predictors and evolutionary conservation, supports that this variant does not alter protein structure/function; Has not been previously published as pathogenic or benign to our knowledge

Illumina Laboratory Services, Illumina
Classification: Uncertain significance for Charlevoix-Saguenay spastic ataxia. Last evaluated: 2018-01-13. Review status: criteria provided, single submitter. Criteria: ICSL Variant Classification Criteria 13 December 2019. Collection method: clinical testing. Allele origin: germline.

Genome Diagnostics Laboratory, The Hospital for Sick Children
Classification: Uncertain significance for Hereditary spastic paraplegia. Last evaluated: 2016-12-12. Review status: criteria provided, single submitter. Criteria: ACMG Guidelines, 2015. Collection method: clinical testing. Allele origin: germline. Affected: yes.

Natera, Inc.
Classification: Uncertain significance for Charlevoix-Saguenay type spastic ataxia. Last evaluated: 2020-09-16. Review status: no assertion criteria provided. Collection method: clinical testing. Allele origin: germline. Not counted in ClinVar's aggregate classification.

NM_014363.6(SACS):c.4757A>G (p.Asn1586Ser)

Gene: SACS (sacsin molecular chaperone; minus strand). Cytogenetic location: 13q12.12.
Variant type: single nucleotide variant.
Coding change: c.4757A>G on transcript NM_014363.6 (MANE Select); coding-DNA position 4757, A replaced by G.
Protein change: p.Asn1586Ser; replaces asparagine 1586 with serine.
Molecular consequence: missense variant.
Genome position (GRCh38, 1-based): chr13:23,339,119, T>C on the plus strand (A>G on the coding strand, the complement: SACS is on the minus strand). VCF-style: chr13-23339119-T-C. GRCh37 (hg19) VCF-style: chr13-23913258-T-C.
Other names: c.4316A>G, p.Asn1439Ser (NM_001278055.2); c.4757A>G (NM_014363.4); short protein forms N1586S, N1439S.
Identifiers: ClinVar variation 527996 (VCV000527996.27), dbSNP rs201558584, ClinGen allele CA6911347.